The following is an entry in ClinVar:

ClinVar aggregate classification (germline): Uncertain significance (1 of 4 stars; one submission).

Conditions:
Hereditary cancer-predisposing syndrome. Also called: Hereditary Cancer Syndrome; Neoplastic Syndromes, Hereditary; Tumor predisposition; Hereditary neoplastic syndrome. Identifiers: Orphanet 140162, MedGen C0027672, MeSH D009386, MONDO:0015356.

Submission:

Ambry Genetics
Classification: Uncertain significance for Hereditary cancer-predisposing syndrome. Last evaluated: 2026-08-11. Review status: criteria provided, single submitter. Criteria: Ambry Variant Classification Scheme 2023. Collection method: clinical testing. Allele origin: germline.
Comment: The p.G955A variant (also known as c.2864G>C), located in coding exon 17 of the ALK gene, results from a G to C substitution at nucleotide position 2864. The glycine at codon 955 is replaced by alanine, an amino acid with similar properties. This amino acid position is conserved. In addition, the in silico prediction for this alteration is inconclusive. Based on the available evidence, the clinical significance of this variant remains unclear.

NM_004304.5(ALK):c.2864G>C (p.Gly955Ala)

Gene: ALK (ALK receptor tyrosine kinase; minus strand). Cytogenetic location: 2p23.2.
Variant type: single nucleotide variant.
Coding change: c.2864G>C on transcript NM_004304.5 (MANE Select); coding-DNA position 2864, G replaced by C.
Protein change: p.Gly955Ala; replaces glycine 955 with alanine.
Molecular consequence: missense variant.
Genome position (GRCh38, 1-based): chr2:29,227,624, C>G on the plus strand (G>C on the coding strand, the complement: ALK is on the minus strand). VCF-style: chr2-29227624-C-G. GRCh37 (hg19) VCF-style: chr2-29450490-C-G.
Other names: short protein forms G955A.
Identifiers: ClinVar variation 5035481 (VCV005035481.1).